The following is an entry in ClinVar:

NM_000138.5(FBN1):c.8408T>C (p.Phe2803Ser)

Gene: FBN1 (fibrillin 1; minus strand). Cytogenetic location: 15q21.1.
Variant type: single nucleotide variant.
Coding change: c.8408T>C on transcript NM_000138.5 (MANE Select); coding-DNA position 8408, T replaced by C.
Protein change: p.Phe2803Ser; replaces phenylalanine 2803 with serine.
Molecular consequence: missense variant.
Genome position (GRCh38, 1-based): chr15:48,411,198, A>G on the plus strand (T>C on the coding strand, the complement: FBN1 is on the minus strand). VCF-style: chr15-48411198-A-G. GRCh37 (hg19) VCF-style: chr15-48703395-A-G.
Other names: short protein forms F2803S.
Identifiers: ClinVar variation 1330616 (VCV001330616.7), dbSNP rs2141209869, ClinGen allele CA392319165.
Genomic context (GRCh38, chr15:48,411,198, plus strand): 5'-ACTGGCTTCTTCTTTGTGAAGTGGAGGTAGCTGATCCCTTCCTTTTGGTTGATTTTAAAG[A>G]AGCCATCTTCATTTCCAGATTCGATCAAGTATCTGTTGTGATTCGTCAGAGTTGTAAGAG-3'
Protein context (NP_000129.3, residues 2793-2813): YLIESGNEDG[Phe2803Ser]FKINQKEGIS

ClinVar aggregate classification (germline): Uncertain significance (1 of 4 stars; one submission).

Submission:

ARUP Laboratories, Molecular Genetics and Genomics, ARUP Laboratories
Classification: Uncertain significance. Last evaluated: 2021-11-16. Review status: criteria provided, single submitter. Criteria: ARUP Molecular Germline Variant Investigation Process 2021. Collection method: clinical testing. Allele origin: germline.
Comment: The FBN1 c.8408T>C; p.Phe2803Ser variant, to our knowledge, is not reported in the medical literature or gene specific databases. This variant is also absent from the Genome Aggregation Database, indicating it is not a common polymorphism. The phenylalanine at codon 2803 is weakly conserved, and computational analyses are uncertain whether this variant is neutral or deleterious (REVEL: 0.538). Due to limited information, the clinical significance of the p.Phe2803Ser variant is uncertain at this time.